The following is an entry in ClinVar:

NM_001851.6(COL9A1):c.1877G>A (p.Ser626Asn)

Gene: COL9A1 (collagen type IX alpha 1 chain; minus strand). Cytogenetic location: 6q13.
Variant type: single nucleotide variant.
Coding change: c.1877G>A on transcript NM_001851.6 (MANE Select); coding-DNA position 1877, G replaced by A.
Protein change: p.Ser626Asn; replaces serine 626 with asparagine.
Molecular consequence: missense variant. On other transcripts: non-coding transcript variant (1).
Genome position (GRCh38, 1-based): chr6:70,242,711, C>T on the plus strand (G>A on the coding strand, the complement: COL9A1 is on the minus strand). VCF-style: chr6-70242711-C-T. GRCh37 (hg19) VCF-style: chr6-70952414-C-T.
Other names: c.1178G>A, p.Ser393Asn (NM_001377289.1); c.1148G>A, p.Ser383Asn (NM_001377290.1, NM_078485.4); short protein forms S383N, S393N, S626N.
Identifiers: ClinVar variation 968873 (VCV000968873.8), dbSNP rs758159064, ClinGen allele CA3881964.

ClinVar aggregate classification (germline): Uncertain significance. Review status: criteria provided, multiple submitters, no conflicts (2 of 4 stars). 2 submissions from 2 submitters: Uncertain significance (2). Last evaluated 2024-11-15.

Conditions:
Inborn genetic diseases. Identifiers: MedGen C0950123, MeSH D030342.

Allele frequency attached by ClinVar (database versions not stated): gnomAD exomes below 0.00001; ExAC 0.00001; TOPMed 0.00002; gnomAD 0.00003 and 0.00004.
gnomAD v4.1: 4 of 1,613,974 alleles (0.00025%); highest among the groups gnomAD compares: African/African-American, 0.004%; no homozygotes.

Submissions (2):

Ambry Genetics
Classification: Uncertain significance for Inborn genetic diseases. Last evaluated: 2024-11-15. Review status: criteria provided, single submitter. Criteria: Ambry Variant Classification Scheme 2023. Collection method: clinical testing. Allele origin: germline.

Labcorp Genetics (formerly Invitae), Labcorp
Classification: Uncertain significance. Last evaluated: 2021-08-20. Review status: criteria provided, single submitter. Criteria: Invitae Variant Classification Sherloc (09022015). Collection method: clinical testing. Allele origin: germline.
Comment: This sequence change replaces serine with asparagine at codon 626 of the COL9A1 protein (p.Ser626Asn). The serine residue is highly conserved and there is a small physicochemical difference between serine and asparagine. This variant is present in population databases (rs758159064, ExAC 0.01%). This variant has not been reported in the literature in individuals affected with COL9A1-related conditions. Algorithms developed to predict the effect of missense changes on protein structure and function (SIFT, PolyPhen-2, Align-GVGD) all suggest that this variant is likely to be tolerated. In summary, the available evidence is currently insufficient to determine the role of this variant in disease. Therefore, it has been classified as a Variant of Uncertain Significance.